The following is an entry in ClinVar:

ClinVar aggregate classification (germline): Uncertain significance. Review status: criteria provided, multiple submitters, no conflicts (2 of 4 stars). 3 submissions from 3 submitters: Uncertain significance (3). Last evaluated 2025-11-02.

Conditions:
Hypotonia, infantile, with psychomotor retardation and characteristic facies 3 (IHPRF3). Also called: TBCK-Related Neurodevelopmental Disorder. Identifiers: Orphanet 488632, MedGen C5567480, MONDO:0014823, OMIM 616900.
Inborn genetic diseases. Identifiers: MedGen C0950123, MeSH D030342.

Allele frequency attached by ClinVar (database versions not stated): gnomAD exomes 0.00001 and 0.00002; ExAC 0.00002; TOPMed below 0.00001.
gnomAD v4.1: 10 of 1,613,160 alleles (0.00062%); highest among the groups gnomAD compares: Admixed American, 0.0084%; no homozygotes.

Submissions (3):

Ambry Genetics
Classification: Uncertain significance for Inborn genetic diseases. Last evaluated: 2025-11-02. Review status: criteria provided, single submitter. Criteria: Ambry Variant Classification Scheme 2023. Collection method: clinical testing. Allele origin: germline.

Labcorp Genetics (formerly Invitae), Labcorp
Classification: Uncertain significance. Last evaluated: 2022-07-19. Review status: criteria provided, single submitter. Criteria: Invitae Variant Classification Sherloc (09022015). Collection method: clinical testing. Allele origin: germline.
Comment: Algorithms developed to predict the effect of missense changes on protein structure and function (SIFT, PolyPhen-2, Align-GVGD) all suggest that this variant is likely to be tolerated. ClinVar contains an entry for this variant (Variation ID: 1029175). This variant has not been reported in the literature in individuals affected with TBCK-related conditions. This variant is present in population databases (rs775830620, gnomAD 0.01%). This sequence change replaces isoleucine, which is neutral and non-polar, with valine, which is neutral and non-polar, at codon 810 of the TBCK protein (p.Ile810Val). In summary, the available evidence is currently insufficient to determine the role of this variant in disease. Therefore, it has been classified as a Variant of Uncertain Significance.

Baylor Genetics
Classification: Uncertain significance for Hypotonia, infantile, with psychomotor retardation and characteristic facies 3. Last evaluated: 2019-11-05. Review status: criteria provided, single submitter. Criteria: ACMG Guidelines, 2015. Collection method: clinical testing. Allele origin: maternal. Affected: yes.
Comment: This variant was determined to be of uncertain significance according to ACMG Guidelines, 2015 [PMID:25741868].

NM_001163435.3(TBCK):c.2428A>G (p.Ile810Val)

Gene: TBCK (TBC1 domain containing kinase; minus strand). Cytogenetic location: 4q24.
Variant type: single nucleotide variant.
Coding change: c.2428A>G on transcript NM_001163435.3 (MANE Select); coding-DNA position 2428, A replaced by G.
Protein change: p.Ile810Val; replaces isoleucine 810 with valine.
Molecular consequence: missense variant.
Genome position (GRCh38, 1-based): chr4:106,095,625, T>C on the plus strand (A>G on the coding strand, the complement: TBCK is on the minus strand). VCF-style: chr4-106095625-T-C. GRCh37 (hg19) VCF-style: chr4-107016782-T-C.
Other names: c.2428A>G, p.Ile810Val (NM_001163436.4); c.2311A>G, p.Ile771Val (NM_001163437.3); c.1912A>G, p.Ile638Val (NM_001290768.2); c.2239A>G, p.Ile747Val (NM_033115.5); short protein forms I771V, I747V, I810V, I638V.
Identifiers: ClinVar variation 1029175 (VCV001029175.5), dbSNP rs775830620, ClinGen allele CA3034702.